The following is an entry in ClinVar:

NM_001110556.2(FLNA):c.1168G>A (p.Gly390Ser)

Gene: FLNA (filamin A; minus strand). Cytogenetic location: Xq28.
Variant type: single nucleotide variant.
Coding change: c.1168G>A on transcript NM_001110556.2 (MANE Select); coding-DNA position 1168, G replaced by A.
Protein change: p.Gly390Ser; replaces glycine 390 with serine.
Molecular consequence: missense variant.
Genome position (GRCh38, 1-based): chrX:154,366,368, C>T on the plus strand (G>A on the coding strand, the complement: FLNA is on the minus strand). VCF-style: chrX-154366368-C-T. GRCh37 (hg19) VCF-style: chrX-153594736-C-T.
Other names: c.1168G>A, p.Gly390Ser (NM_001456.4); short protein forms G390S.
Identifiers: ClinVar variation 3902793 (VCV003902793.2).

ClinVar aggregate classification (germline): Conflicting classifications of pathogenicity. Review status: criteria provided, conflicting classifications (1 of 4 stars). 2 submissions from 2 submitters: Uncertain significance (1); Likely benign (1). Last evaluated 2025-05-20.

Conditions:
Oto-palato-digital syndrome, type II (OPD2). Also called: Otopalatodigital Syndrome Type 2 (FLNA-OPD2); FACIOPALATOOSSEOUS SYNDROME; OPD II SYNDROME; Otopalatodigital Syndrome, Type II. Identifiers: Orphanet 669, Orphanet 90652, MedGen C1844696, MONDO:0010571, OMIM 304120.
Heterotopia, periventricular, X-linked dominant (PVNH1). Also called: PERIVENTRICULAR NODULAR HETEROTOPIA 1; X-linked periventricular heterotopia; PERIVENTRICULAR NODULAR HETEROTOPIA 4; HETEROTOPIA, PERIVENTRICULAR, 1. Identifiers: Orphanet 2149, Orphanet 82004, MedGen C1848213, MONDO:0010233, OMIM 300049.
Melnick-Needles syndrome (MNS). Also called: Melnick-Needles Syndrome (FLNA-MNS); MELNICK-NEEDLES OSTEODYSPLASTY; OSTEODYSPLASTY OF MELNICK AND NEEDLES. Identifiers: Orphanet 2484, MedGen C0025237, MONDO:0010650, OMIM 309350.
Frontometaphyseal dysplasia (FMD1). Identifiers: Orphanet 1826, MedGen C0265293, MONDO:0015942.

Submissions (2):

Women's Health and Genetics/Laboratory Corporation of America, LabCorp
Classification: Uncertain significance. Last evaluated: 2025-05-20. Review status: criteria provided, single submitter. Criteria: LabCorp Variant Classification Summary - May 2015. Collection method: clinical testing. Allele origin: germline.
Comment: Variant summary: FLNA c.1168G>A (p.Gly390Ser) results in a non-conservative amino acid change in the encoded protein sequence. Algorithms developed to predict the effect of missense changes on protein structure and function all suggest that this variant is likely to be disruptive. The variant allele was found at a frequency of 5.5e-06 in 181499 control chromosomes. The available data on variant occurrences in the general population are insufficient to allow any conclusion about variant significance. To our knowledge, no occurrence of c.1168G>A in individuals affected with FLNA-related conditions and no experimental evidence demonstrating its impact on protein function have been reported. No submitters have cited clinical-significance assessments for this variant to ClinVar. Based on the evidence outlined above, the variant was classified as uncertain significance.

Labcorp Genetics (formerly Invitae), Labcorp
Classification: Likely benign for Oto-palato-digital syndrome, type II; Heterotopia, periventricular, X-linked dominant; Frontometaphyseal dysplasia; Melnick-Needles syndrome. Last evaluated: 2025-03-11. Review status: criteria provided, single submitter. Criteria: Invitae Variant Classification Sherloc (09022015). Collection method: clinical testing. Allele origin: germline.